The following is an entry in ClinVar:

ClinVar aggregate classification (germline): Conflicting classifications of pathogenicity. Review status: criteria provided, conflicting classifications (1 of 4 stars). 6 submissions from 6 submitters: Uncertain significance (4); Likely benign (2). Last evaluated 2026-08-01.

Conditions:
Polycystic kidney disease, adult type (PKD1). Also called: Polycystic Kidney, Autosomal Dominant; POLYCYSTIC KIDNEY DISEASE 1 WITH OR WITHOUT POLYCYSTIC LIVER DISEASE; Polycystic Kidney Disease 1, Autosomal Dominant; Polycystic kidney disease 1; Polycystic kidney disease 1, severe; POLYCYSTIC KIDNEY DISEASE, ADULT, TYPE I. Identifiers: MedGen C3149841, MONDO:0008263, OMIM 173900.
Polycystic kidney disease 2 (PKD2). Also called: POLYCYSTIC KIDNEY DISEASE, ADULT, TYPE II; POLYCYSTIC KIDNEY DISEASE 2 WITH OR WITHOUT POLYCYSTIC LIVER DISEASE; Polycystic Kidney Disease 2, Autosomal Dominant. Identifiers: MedGen C2751306, MONDO:0013131, OMIM 613095.

Allele frequency attached by ClinVar (database versions not stated): TOPMed 0.00011; gnomAD 0.00021 and 0.00022; gnomAD exomes 0.00021 and 0.00035; ExAC 0.00059; 1000 Genomes Project 0.00060; 1000 Genomes Project 30x 0.00078.
gnomAD v4.1: 341 of 1,608,236 alleles (0.021%); highest among the groups gnomAD compares: South Asian, 0.098%; no homozygotes.

Submissions (6):

CeGaT Center for Human Genetics Tuebingen
Classification: Likely benign. Last evaluated: 2026-08-01. Review status: criteria provided, single submitter. Criteria: CeGaT Center For Human Genetics Tuebingen Variant Classification Criteria Version 2. Collection method: clinical testing. Allele origin: germline. Affected: yes. Observed: 1 variant allele.
Comment: PKD1: BS1

Women's Health and Genetics/Laboratory Corporation of America, LabCorp
Classification: Uncertain significance. Last evaluated: 2026-03-02. Review status: criteria provided, single submitter. Criteria: LabCorp Variant Classification Summary - May 2015. Collection method: clinical testing. Allele origin: germline.
Comment: Variant summary: PKD1 c.7622C>T (p.Pro2541Leu) results in a non-conservative amino acid change in the encoded protein sequence. Algorithms developed to predict the effect of missense changes on protein structure and function are either unavailable or do not agree on the potential impact of this missense change. The variant allele was found at a frequency of 0.00035 in 232730 control chromosomes (gnomAD). This frequency is not significantly higher than estimated for disease-causing variants in PKD1, allowing no conclusion about variant significance. c.7622C>T has been observed in individuals affected with autosomal dominant polycystic kidney disease (Cornec-LeGall_2016, Bullich_2018, Mantovani_2020). These reports do not provide unequivocal conclusions about association of the variant with PKD1-related conditions. To our knowledge, no experimental evidence demonstrating an impact on protein function has been reported. The following publications have been ascertained in the context of this evaluation (PMID: 29801666, 26150605, 32457805). ClinVar contains an entry for this variant (Variation ID: 1301197). Based on the evidence outlined above, the variant was classified as uncertain significance.

Blueprint Genetics
Classification: Likely benign. Last evaluated: 2024-10-30. Review status: criteria provided, single submitter. Criteria: ACMG Guidelines, 2015. Collection method: clinical testing. Allele origin: germline.

Department of Human Genetics, Hannover Medical School
Classification: Uncertain significance for Polycystic kidney disease 2. Last evaluated: 2024-06-12. Review status: criteria provided, single submitter. Criteria: ACMG Guidelines, 2015. Collection method: clinical testing. Allele origin: germline. Inheritance: Autosomal dominant inheritance. Affected: yes.

Department of Pathology and Laboratory Medicine, Sinai Health System
Classification: Uncertain significance for Polycystic kidney disease, adult type. Last evaluated: 2022-09-16. Review status: criteria provided, single submitter. Criteria: ACMG Guidelines, 2015. Collection method: research. Allele origin: germline.

GeneDx
Classification: Uncertain significance. Last evaluated: 2021-09-16. Review status: criteria provided, single submitter. Criteria: GeneDx Variant Classification Process June 2021. Collection method: clinical testing. Allele origin: germline. Affected: yes.
Comment: Observed in one family with autosomal dominant polycystic kidney disease in published literature (Cornec-Le et al., 2016); In silico analysis supports that this missense variant has a deleterious effect on protein structure/function; This variant is associated with the following publications: (PMID: 26150605)

Literature cited by the submitters: PubMed 29801666 (cited by Women's Health and Genetics/Laboratory Corporation of America, LabCorp); PubMed 32457805 (cited by Women's Health and Genetics/Laboratory Corporation of America, LabCorp); PubMed 26150605 (cited by Women's Health and Genetics/Laboratory Corporation of America, LabCorp).

NM_001009944.3(PKD1):c.7622C>T (p.Pro2541Leu)

Gene: PKD1 (polycystin 1, transient receptor potential channel interacting; minus strand). Cytogenetic location: 16p13.3.
Variant type: single nucleotide variant.
Coding change: c.7622C>T on transcript NM_001009944.3 (MANE Select); coding-DNA position 7622, C replaced by T.
Protein change: p.Pro2541Leu; replaces proline 2541 with leucine.
Molecular consequence: missense variant.
Genome position (GRCh38, 1-based): chr16:2,106,172, G>A on the plus strand (C>T on the coding strand, the complement: PKD1 is on the minus strand). VCF-style: chr16-2106172-G-A. GRCh37 (hg19) VCF-style: chr16-2156173-G-A.
Other names: c.7622C>T, p.Pro2541Leu (NM_000296.4); short protein forms P2541L.
Identifiers: ClinVar variation 1301197 (VCV001301197.7), dbSNP rs538031465, ClinGen allele CA7831004.
Genomic context (GRCh38, chr16:2,106,172, plus strand): 5'-GCTCCCAGCTGGTCCTGCACCACCACGGCCAGGCCCACCTCGAAGTGTGGCCTGAAACCC[G>A]GGGGCAGCACGGCTCCGTAGCTGGAGAGGCTGCCCTTGTAGACACAGAACTCCTCGCAGT-3'
Protein context (NP_001009944.3, residues 2531-2551): SLSSYGAVLP[Pro2541Leu]GFRPHFEVGL